The following is an entry in ClinVar:

NM_001276345.2(TNNT2):c.837C>T (p.Asn279=)

Gene: TNNT2 (troponin T2, cardiac type; minus strand). Cytogenetic location: 1q32.1.
Variant type: single nucleotide variant.
Coding change: c.837C>T on transcript NM_001276345.2 (MANE Select); coding-DNA position 837, C replaced by T.
Protein change: p.Asn279=; no amino-acid change (asparagine 279 retained).
Molecular consequence: synonymous variant.
Genome position (GRCh38, 1-based): chr1:201,359,637, G>A on the plus strand (C>T on the coding strand, the complement: TNNT2 is on the minus strand). VCF-style: chr1-201359637-G-A. GRCh37 (hg19) VCF-style: chr1-201328765-G-A.
Other names: c.828C>T, p.Asn276= (NM_000364.4); c.807C>T, p.Asn269= (NM_001001430.3, NM_001276347.2); c.798C>T, p.Asn266= (NM_001001431.3); c.789C>T, p.Asn263= (NM_001001432.3); c.708C>T, p.Asn236= (NM_001276346.2).
Identifiers: ClinVar variation 43672 (VCV000043672.35), dbSNP rs376923877, ClinGen allele CA005180.

ClinVar aggregate classification (germline): Conflicting classifications of pathogenicity. Review status: criteria provided, conflicting classifications (1 of 4 stars). 14 submissions from 14 submitters: Uncertain significance (1); Likely benign (10). 3 of the submissions do not count toward it. Last evaluated 2026-01-26.

Conditions:
TNNT2-related disorder. Also called: TNNT2-related condition.
Cardiovascular phenotype. Identifiers: MedGen CN230736.
Cardiomyopathy (CMYO). Also called: Cardiomyopathies. Identifiers: Orphanet 167848, MedGen C0878544, MONDO:0004994, HP:0001638. Inheritance: Various modes of inheritance.
Dilated cardiomyopathy 1D. Identifiers: Orphanet 154, Orphanet 54260, MedGen C1832243, MONDO:0011095, OMIM 601494.
Cardiomyopathy, familial restrictive, 3. Identifiers: Orphanet 75249, MedGen C2676271, MONDO:0012900, OMIM 612422.
Hypertrophic cardiomyopathy 2. Also called: TNNT2-Related Familial Hypertrophic Cardiomyopathy. Identifiers: MedGen C1861864, MONDO:0007266, OMIM 115195.

Allele frequency attached by ClinVar (database versions not stated): gnomAD exomes 0.00007 and 0.00009; ESP Exome Variant Server 0.00008; gnomAD 0.00009; TOPMed 0.00009; 1000 Genomes Project 30x 0.00016; ExAC 0.00016; 1000 Genomes Project 0.00020.

Submissions (14):

Labcorp Genetics (formerly Invitae), Labcorp
Classification: Likely benign for Cardiomyopathy, familial restrictive, 3; Hypertrophic cardiomyopathy 2; Dilated cardiomyopathy 1D. Last evaluated: 2026-01-26. Review status: criteria provided, single submitter. Criteria: Invitae Variant Classification Sherloc (09022015). Collection method: clinical testing. Allele origin: germline.

Molecular Diagnostic Laboratory for Inherited Cardiovascular Disease, Montreal Heart Institute
Classification: Likely benign. Last evaluated: 2025-04-09. Review status: criteria provided, single submitter. Criteria: ACMG Guidelines, 2015. Collection method: clinical testing. Allele origin: germline. Affected: no.

Women's Health and Genetics/Laboratory Corporation of America, LabCorp
Classification: Likely benign. Last evaluated: 2025-01-10. Review status: criteria provided, single submitter. Criteria: LabCorp Variant Classification Summary - May 2015. Collection method: clinical testing. Allele origin: germline.

Blueprint Genetics
Classification: Likely benign. Last evaluated: 2024-06-27. Review status: criteria provided, single submitter. Criteria: ACMG Guidelines, 2015. Collection method: clinical testing. Allele origin: germline.

All of Us Research Program, National Institutes of Health
Classification: Likely benign for Cardiomyopathy. Last evaluated: 2024-01-11. Review status: criteria provided, single submitter. Criteria: ACMG Guidelines, 2015. Collection method: clinical testing. Allele origin: germline. Inheritance: Autosomal dominant inheritance. Observed: 21 variant alleles, 21 heterozygotes.
Comment: This study involves interpretation of variants in research participants for the purpose of population health screening. Participant phenotype was not available at the time of variant classification. Additional details can be found in publication PMID: 35346344, PMCID: PMC8962531

CHEO Genetics Diagnostic Laboratory, Children's Hospital of Eastern Ontario
Classification: Likely benign for Cardiomyopathy. Last evaluated: 2023-01-09. Review status: criteria provided, single submitter. Criteria: ACMG Guidelines, 2015. Collection method: clinical testing. Allele origin: germline.

Color Diagnostics, LLC DBA Color Health
Classification: Likely benign for Cardiomyopathy. Last evaluated: 2018-09-10. Review status: criteria provided, single submitter. Criteria: ACMG Guidelines, 2015. Collection method: clinical testing. Allele origin: germline.

Ambry Genetics
Classification: Likely benign for Cardiovascular phenotype. Last evaluated: 2018-07-31. Review status: criteria provided, single submitter. Criteria: Ambry Variant Classification Scheme 2023. Collection method: clinical testing. Allele origin: germline.

GeneDx
Classification: Likely benign. Last evaluated: 2017-06-13. Review status: criteria provided, single submitter. Criteria: GeneDx Variant Classification (06012015). Collection method: clinical testing. Allele origin: germline. Affected: yes.
Comment: This variant is considered likely benign or benign based on one or more of the following criteria: it is a conservative change, it occurs at a poorly conserved position in the protein, it is predicted to be benign by multiple in silico algorithms, and/or has population frequency not consistent with disease.

Laboratory for Molecular Medicine, Mass General Brigham Personalized Medicine
Classification: Likely benign. Last evaluated: 2015-10-27. Review status: criteria provided, single submitter. Criteria: LMM Criteria. Collection method: clinical testing. Allele origin: germline. Observed: 3 variant alleles.
Comment: p.Asn269Asn in exon 15 of TNNT2: This variant is not expected to have clinical s ignificance because it does not alter an amino acid residue and is not located w ithin the splice consensus sequence. It has been identified in 6/29960 European chromosomes by the Exome Aggregation Consortium (ExAC; dbSNP rs376923877).

Eurofins Ntd Llc (ga)
Classification: Uncertain significance. Last evaluated: 2015-01-14. Review status: criteria provided, single submitter. Criteria: EGL Classification Definitions 2015. Collection method: clinical testing. Allele origin: germline. Observed: 1 variant allele, 1 heterozygote.

PreventionGenetics, part of Exact Sciences
Classification: Likely benign for TNNT2-related condition. Last evaluated: 2020-04-01. Review status: no assertion criteria provided. Collection method: clinical testing. Allele origin: germline. Not counted in ClinVar's aggregate classification.
Comment: This variant is classified as likely benign based on ACMG/AMP sequence variant interpretation guidelines (Richards et al. 2015 PMID: 25741868, with internal and published modifications).

Clinical Genetics, Academic Medical Center
Classification: Benign. Review status: no assertion criteria provided. Collection method: clinical testing. Allele origin: germline. Affected: yes. Study: VKGL Data-share Consensus. Not counted in ClinVar's aggregate classification.

Joint Genome Diagnostic Labs from Nijmegen and Maastricht, Radboudumc and MUMC+
Classification: Likely benign. Review status: no assertion criteria provided. Collection method: clinical testing. Allele origin: germline. Affected: yes. Study: VKGL Data-share Consensus. Not counted in ClinVar's aggregate classification.